The following is an entry in ClinVar:

ClinVar aggregate classification (germline): Uncertain significance (1 of 4 stars; one submission).

Conditions:
Deficiency of alpha-mannosidase (MANSA). Also called: Mannosidosis, alpha-, types I and II; Alpha-Mannosidosis; LYSOSOMAL ALPHA-D-MANNOSIDASE DEFICIENCY. Identifiers: Orphanet 61, MedGen C0024748, MONDO:0009561, OMIM 248500.

gnomAD v4.1: 1 of 1,613,848 alleles (0.000062%); highest among the groups gnomAD compares: Non-Finnish European, 0.000085%; no homozygotes.

Submission:

Labcorp Genetics (formerly Invitae), Labcorp
Classification: Uncertain significance for Deficiency of alpha-mannosidase. Last evaluated: 2022-07-19. Review status: criteria provided, single submitter. Criteria: Invitae Variant Classification Sherloc (09022015). Collection method: clinical testing. Allele origin: germline.
Comment: This sequence change replaces threonine, which is neutral and polar, with asparagine, which is neutral and polar, at codon 640 of the MAN2B1 protein (p.Thr640Asn). This variant is not present in population databases (gnomAD no frequency). This variant has not been reported in the literature in individuals affected with MAN2B1-related conditions. Algorithms developed to predict the effect of missense changes on protein structure and function (SIFT, PolyPhen-2, Align-GVGD) all suggest that this variant is likely to be tolerated. In summary, the available evidence is currently insufficient to determine the role of this variant in disease. Therefore, it has been classified as a Variant of Uncertain Significance.

NM_000528.4(MAN2B1):c.1919C>A (p.Thr640Asn)

Gene: MAN2B1 (mannosidase alpha class 2B member 1; minus strand). Cytogenetic location: 19p13.13.
Variant type: single nucleotide variant.
Coding change: c.1919C>A on transcript NM_000528.4 (MANE Select); coding-DNA position 1919, C replaced by A.
Protein change: p.Thr640Asn; replaces threonine 640 with asparagine.
Molecular consequence: missense variant.
Genome position (GRCh38, 1-based): chr19:12,652,372, G>T on the plus strand (C>A on the coding strand, the complement: MAN2B1 is on the minus strand). VCF-style: chr19-12652372-G-T. GRCh37 (hg19) VCF-style: chr19-12763186-G-T.
Other names: c.1916C>A, p.Thr639Asn (NM_001173498.2); short protein forms T639N, T640N.
Identifiers: ClinVar variation 1973443 (VCV001973443.2), dbSNP rs896029570, ClinGen allele CA404244456.